The following is an entry in ClinVar:

ClinVar aggregate classification (germline): Benign/Likely benign. Review status: criteria provided, multiple submitters, no conflicts (2 of 4 stars). 4 submissions from 4 submitters: Benign (1); Likely benign (3). Last evaluated 2025-06-17.

Conditions:
Gastrointestinal stromal tumor. Also called: Gastrointestinal stromal tumor, somatic; Gastrointestinal stroma tumor. Identifiers: Orphanet 44890, MedGen C0238198, MeSH D046152, MONDO:0011719, OMIM 606764, HP:0100723.
Pheochromocytoma/paraganglioma syndrome 4. Also called: SDHB-Related Hereditary Paraganglioma-Pheochromocytoma Syndrome (Paragangliomas 4); SDHB-Related Hereditary Paraganglioma-Pheochromocytoma Syndrome; CAROTID BODY TUMORS AND MULTIPLE EXTRAADRENAL PHEOCHROMOCYTOMAS; PARAGANGLIOMA, FAMILIAL MALIGNANT; PARAGANGLIOMAS, HEREDITARY EXTRAADRENAL; PHEOCHROMOCYTOMA, FAMILIAL EXTRAADRENAL. Identifiers: Orphanet 29072, MedGen C1861848, MONDO:0007273, OMIM 115310.
Pheochromocytoma. Also called: MAX-Related Hereditary Paraganglioma-Pheochromocytoma Syndrome. Identifiers: Orphanet 29072, MedGen C0031511, MONDO:0008233, OMIM 171300, HP:0002666.
Hereditary cancer-predisposing syndrome. Also called: Neoplastic Syndromes, Hereditary; Hereditary Cancer Syndrome; Hereditary neoplastic syndrome; Tumor predisposition. Identifiers: Orphanet 140162, MedGen C0027672, MeSH D009386, MONDO:0015356.
Hereditary pheochromocytoma and paraganglioma. Also called: Hereditary pheochromocytoma-paraganglioma; Hereditary Paraganglioma-Pheochromocytoma Syndromes; Hereditary paragangliomas and pheochromocytomas. Identifiers: Orphanet 29072, MedGen C4274332, MONDO:0017366.

Submissions (4):

Color Diagnostics, LLC DBA Color Health
Classification: Likely benign for Hereditary pheochromocytoma and paraganglioma. Last evaluated: 2025-06-17. Review status: criteria provided, single submitter. Criteria: ACMG Guidelines, 2015. Collection method: clinical testing. Allele origin: germline.

Myriad Genetics, Inc.
Classification: Benign for Pheochromocytoma/paraganglioma syndrome 4. Last evaluated: 2025-03-13. Review status: criteria provided, single submitter. Criteria: Myriad Autosomal Dominant, Autosomal Recessive and X-Linked Classification Criteria (2023). Collection method: clinical testing. Allele origin: unknown.
Comment: This variant is considered benign. This variant is a silent/synonymous amino acid change and it is not expected to impact splicing.

Labcorp Genetics (formerly Invitae), Labcorp
Classification: Likely benign for Gastrointestinal stromal tumor; Pheochromocytoma/paraganglioma syndrome 4; Pheochromocytoma. Last evaluated: 2022-06-10. Review status: criteria provided, single submitter. Criteria: Invitae Variant Classification Sherloc (09022015). Collection method: clinical testing. Allele origin: germline.

Ambry Genetics
Classification: Likely benign for Hereditary cancer-predisposing syndrome. Last evaluated: 2022-05-14. Review status: criteria provided, single submitter. Criteria: Ambry Variant Classification Scheme 2023. Collection method: clinical testing. Allele origin: germline.

NM_003000.3(SDHB):c.678C>T (p.Phe226=)

Gene: SDHB (succinate dehydrogenase complex iron sulfur subunit B; minus strand). Cytogenetic location: 1p36.13.
Variant type: single nucleotide variant.
Coding change: c.678C>T on transcript NM_003000.3 (MANE Select); coding-DNA position 678, C replaced by T.
Protein change: p.Phe226=; no amino-acid change (phenylalanine 226 retained).
Molecular consequence: synonymous variant.
Genome position (GRCh38, 1-based): chr1:17,022,695, G>A on the plus strand (C>T on the coding strand, the complement: SDHB is on the minus strand). VCF-style: chr1-17022695-G-A. GRCh37 (hg19) VCF-style: chr1-17349190-G-A.
Identifiers: ClinVar variation 753826 (VCV000753826.11), dbSNP rs1570944907, ClinGen allele CA416082101.